The following is an entry in ClinVar:

ClinVar aggregate classification (germline): Benign/Likely benign. Review status: criteria provided, multiple submitters, no conflicts (2 of 4 stars). 5 submissions from 5 submitters: Benign (1); Likely benign (4). Last evaluated 2025-11-19.

Conditions:
Hereditary cancer-predisposing syndrome. Also called: Hereditary Cancer Syndrome; Hereditary neoplastic syndrome; Neoplastic Syndromes, Hereditary; Tumor predisposition. Identifiers: Orphanet 140162, MedGen C0027672, MeSH D009386, MONDO:0015356.
Familial cancer of breast. Also called: hereditary breast carcinoma; BREAST CANCER, FAMILIAL; Hereditary breast cancer. Identifiers: Orphanet 227535, MedGen C0346153, MONDO:0016419, OMIM 114480. Disease mechanism: loss of function.
Ataxia-telangiectasia syndrome (AT). Also called: Ataxia-telangiectasia, complementation group E; LOUIS-BAR SYNDROME; Cerebello-oculocutaneous telangiectasia; Immunodeficiency with ataxia telangiectasia; Ataxia-telangiectasia, complementation group D; AT, COMPLEMENTATION GROUP C. Identifiers: Orphanet 100, MedGen C0004135, MONDO:0008840, OMIM 208900.

Submissions (5):

Labcorp Genetics (formerly Invitae), Labcorp
Classification: Likely benign for Ataxia-telangiectasia syndrome. Last evaluated: 2025-11-19. Review status: criteria provided, single submitter. Criteria: Invitae Variant Classification Sherloc (09022015). Collection method: clinical testing. Allele origin: germline.

Myriad Genetics, Inc.
Classification: Benign for Familial cancer of breast. Last evaluated: 2024-05-23. Review status: criteria provided, single submitter. Criteria: Myriad Autosomal Dominant, Autosomal Recessive and X-Linked Classification Criteria (2023). Collection method: clinical testing. Allele origin: unknown.
Comment: This variant is considered benign. This variant is a silent/synonymous amino acid change and it is not expected to impact splicing.

Sema4
Classification: Likely benign for Hereditary cancer-predisposing syndrome. Last evaluated: 2021-12-28. Review status: criteria provided, single submitter. Criteria: Sema4 Curation Guidelines. Collection method: curation. Allele origin: germline.

Ambry Genetics
Classification: Likely benign for Hereditary cancer-predisposing syndrome. Last evaluated: 2020-03-17. Review status: criteria provided, single submitter. Criteria: Ambry Variant Classification Scheme 2023. Collection method: clinical testing. Allele origin: germline.

Color Diagnostics, LLC DBA Color Health
Classification: Likely benign for Hereditary cancer-predisposing syndrome. Last evaluated: 2019-01-07. Review status: criteria provided, single submitter. Criteria: ACMG Guidelines, 2015. Collection method: clinical testing. Allele origin: germline.

NM_000051.4(ATM):c.5628C>T (p.His1876=)

Gene: ATM (ATM serine/threonine kinase; plus strand). Cytogenetic location: 11q22.3.
Variant type: single nucleotide variant.
Coding change: c.5628C>T on transcript NM_000051.4 (MANE Select); coding-DNA position 5628, C replaced by T.
Protein change: p.His1876=; no amino-acid change (histidine 1876 retained).
Molecular consequence: synonymous variant.
Genome position (GRCh38, 1-based): chr11:108,304,806, C>T. VCF-style: chr11-108304806-C-T. GRCh37 (hg19) VCF-style: chr11-108175533-C-T.
Other names: c.5628C>T, p.His1876= (NM_001351834.2).
Identifiers: ClinVar variation 925195 (VCV000925195.11), dbSNP rs1237700879, ClinGen allele CA476675178.